The following is an entry in ClinVar:

ClinVar aggregate classification (germline): Conflicting classifications of pathogenicity. Review status: criteria provided, conflicting classifications (1 of 4 stars). 2 submissions from 2 submitters: Uncertain significance (1); Likely benign (1). Last evaluated 2024-11-22.

Conditions:
GPHN-related disorder. Also called: GPHN-related condition.
Sulfite oxidase deficiency due to molybdenum cofactor deficiency type C. Also called: Molybdenum cofactor deficiency, complementation group C; Molybdenum cofactor deficiency C. Identifiers: Orphanet 308400, Orphanet 833, MedGen C1854990, MONDO:0014212, OMIM 615501.

Allele frequency attached by ClinVar (database versions not stated): ExAC 0.00001; gnomAD 0.00001; gnomAD exomes 0.00001.
gnomAD v4.1: 10 of 1,613,034 alleles (0.00062%); highest among the groups gnomAD compares: East Asian, 0.0022%; no homozygotes.

Submissions (2):

PreventionGenetics, part of Exact Sciences
Classification: Likely benign for GPHN-related condition. Last evaluated: 2024-11-22. Review status: criteria provided, single submitter. Criteria: ACMG Guidelines, 2015. Collection method: clinical testing. Allele origin: germline.
Comment: This variant is classified as likely benign based on ACMG/AMP sequence variant interpretation guidelines (Richards et al. 2015 PMID: 25741868, with internal and published modifications).

Labcorp Genetics (formerly Invitae), Labcorp
Classification: Uncertain significance for Sulfite oxidase deficiency due to molybdenum cofactor deficiency type C. Last evaluated: 2024-01-10. Review status: criteria provided, single submitter. Criteria: Invitae Variant Classification Sherloc (09022015). Collection method: clinical testing. Allele origin: germline.
Comment: This sequence change falls in intron 14 of the GPHN gene. It does not directly change the encoded amino acid sequence of the GPHN protein. It affects a nucleotide within the consensus splice site. This variant is present in population databases (rs759514847, gnomAD 0.005%). This variant has not been reported in the literature in individuals affected with GPHN-related conditions. ClinVar contains an entry for this variant (Variation ID: 2049323). Variants that disrupt the consensus splice site are a relatively common cause of aberrant splicing (PMID: 17576681, 9536098). Algorithms developed to predict the effect of sequence changes on RNA splicing suggest that this variant is not likely to affect RNA splicing. In summary, the available evidence is currently insufficient to determine the role of this variant in disease. Therefore, it has been classified as a Variant of Uncertain Significance.

Literature cited by the submitters: PubMed 17576681 (cited by Labcorp Genetics (formerly Invitae), Labcorp); PubMed 9536098 (cited by Labcorp Genetics (formerly Invitae), Labcorp).

NM_020806.5(GPHN):c.1413+4C>T

Gene: GPHN (gephyrin; plus strand). Cytogenetic location: 14q23.3.
Variant type: single nucleotide variant.
Coding change: c.1413+4C>T on transcript NM_020806.5 (MANE Select); 4 bases into the intron after coding-DNA position 1413, C replaced by T.
Molecular consequence: intron variant.
Genome position (GRCh38, 1-based): chr14:67,110,263, C>T. VCF-style: chr14-67110263-C-T. GRCh37 (hg19) VCF-style: chr14-67576980-C-T.
Other names: c.1473+4C>T (NM_001377514.1); c.1353+4C>T (NM_001377519.1); c.1443+4C>T (NM_001377515.1); c.1434+4C>T (NM_001377516.1); c.1371+4C>T (NM_001377518.1); c.1386+4C>T (NM_001377517.1); c.1314+4C>T (NM_001024218.2); c.1413+4C>T (NM_020806.4).
Identifiers: ClinVar variation 2049323 (VCV002049323.5), dbSNP rs759514847, ClinGen allele CA7234070.